The following is an entry in ClinVar:

ClinVar aggregate classification (germline): Uncertain significance (0 of 4 stars; one submission).

Conditions:
PTPRJ-related disorder. Also called: PTPRJ-related condition.

Allele frequency attached by ClinVar (database versions not stated): ExAC 0.00001; gnomAD 0.00001; TOPMed 0.00002; gnomAD exomes 0.00003.
gnomAD v4.1: 41 of 1,613,934 alleles (0.0025%); highest among the groups gnomAD compares: Non-Finnish European, 0.0035%; no homozygotes.

Submission:

PreventionGenetics, part of Exact Sciences
Classification: Uncertain significance for PTPRJ-related condition. Last evaluated: 2023-12-18. Review status: no assertion criteria provided. Collection method: clinical testing. Allele origin: germline.
Comment: The PTPRJ c.449A>C variant is predicted to result in the amino acid substitution p.Lys150Thr. To our knowledge, this variant has not been reported in the literature. This variant is reported in 0.0035% of alleles in individuals of European (Non-Finnish) descent in gnomAD. At this time, the clinical significance of this variant is uncertain due to the absence of conclusive functional and genetic evidence.

NM_002843.4(PTPRJ):c.449A>C (p.Lys150Thr)

Gene: PTPRJ (protein tyrosine phosphatase receptor type J; plus strand). Cytogenetic location: 11p11.2.
Variant type: single nucleotide variant.
Coding change: c.449A>C on transcript NM_002843.4 (MANE Select); coding-DNA position 449, A replaced by C.
Protein change: p.Lys150Thr; replaces lysine 150 with threonine.
Molecular consequence: missense variant.
Genome position (GRCh38, 1-based): chr11:48,121,099, A>C. VCF-style: chr11-48121099-A-C. GRCh37 (hg19) VCF-style: chr11-48142651-A-C.
Other names: c.449A>C, p.Lys150Thr (NM_001098503.2); short protein forms K150T.
Identifiers: ClinVar variation 3055075 (VCV003055075.2), dbSNP rs751658749, ClinGen allele CA5981927.